The following is an entry in ClinVar:

NM_001244008.2(KIF1A):c.1411C>T (p.Arg471Trp)

Gene: KIF1A (kinesin family member 1A; minus strand). Cytogenetic location: 2q37.3.
Variant type: single nucleotide variant.
Coding change: c.1411C>T on transcript NM_001244008.2 (MANE Select); coding-DNA position 1411, C replaced by T.
Protein change: p.Arg471Trp; replaces arginine 471 with tryptophan.
Molecular consequence: missense variant.
Genome position (GRCh38, 1-based): chr2:240,769,637, G>A on the plus strand (C>T on the coding strand, the complement: KIF1A is on the minus strand). VCF-style: chr2-240769637-G-A. GRCh37 (hg19) VCF-style: chr2-241709054-G-A.
Other names: c.1411C>T, p.Arg471Trp (NM_001320705.2, NM_001330289.2, NM_001379638.1); c.1486C>T, p.Arg496Trp (NM_001330290.2, NM_001379631.1, NM_001379634.1 and 2 more transcripts); c.1384C>T, p.Arg462Trp (NM_001379632.1, NM_001379633.1, NM_001379636.1 and 11 more transcripts); c.1459C>T, p.Arg487Trp (NM_001379637.1, NM_001379648.1); short protein forms R462W, R471W, R487W, R496W.
Identifiers: ClinVar variation 2016231 (VCV002016231.5), dbSNP rs2537833391, ClinGen allele CA351329792.

ClinVar aggregate classification (germline): Uncertain significance. Review status: criteria provided, multiple submitters, no conflicts (2 of 4 stars). 2 submissions from 2 submitters: Uncertain significance (2). Last evaluated 2022-07-13.

Conditions:
Hereditary spastic paraplegia 30. Identifiers: Orphanet 101010, MedGen C5235139, MONDO:0012476.
Neuropathy, hereditary sensory, type 2C. Also called: KIF1A-Related HSAN2 (HSAN2C); Hereditary sensory and autonomic neuropathy type IIC. Identifiers: Orphanet 970, MedGen C3280168, MONDO:0013634, OMIM 614213.
Intellectual disability, autosomal dominant 9 (NESCAVS). Also called: NESCAV SYNDROME; KIF1A-Related Neurodevelopmental Disorder. Identifiers: Orphanet 662367, MedGen C5393830, MONDO:0013656, OMIM 614255.

gnomAD v4.1: 3 of 1,613,206 alleles (0.00019%); highest among the groups gnomAD compares: Non-Finnish European, 0.00025%; no homozygotes.

Submissions (2):

Labcorp Genetics (formerly Invitae), Labcorp
Classification: Uncertain significance for Hereditary spastic paraplegia 30; Neuropathy, hereditary sensory, type 2C; Intellectual disability, autosomal dominant 9. Last evaluated: 2022-07-13. Review status: criteria provided, single submitter. Criteria: Invitae Variant Classification Sherloc (09022015). Collection method: clinical testing. Allele origin: germline.
Comment: This sequence change replaces arginine, which is basic and polar, with tryptophan, which is neutral and slightly polar, at codon 462 of the KIF1A protein (p.Arg462Trp). This variant is not present in population databases (gnomAD no frequency). This variant has not been reported in the literature in individuals affected with KIF1A-related conditions. Advanced modeling of protein sequence and biophysical properties (such as structural, functional, and spatial information, amino acid conservation, physicochemical variation, residue mobility, and thermodynamic stability) performed at Invitae indicates that this missense variant is expected to disrupt KIF1A protein function. In summary, the available evidence is currently insufficient to determine the role of this variant in disease. Therefore, it has been classified as a Variant of Uncertain Significance.

Blueprint Genetics
Classification: Uncertain significance. Last evaluated: 2019-10-14. Review status: criteria provided, single submitter. Criteria: ACMG Guidelines, 2015. Collection method: clinical testing. Allele origin: germline.